The following is an entry in ClinVar:

ClinVar aggregate classification (germline): Uncertain significance (1 of 4 stars; one submission).

Conditions:
Marfan syndrome (MFS). Also called: MARFAN SYNDROME, TYPE I; Marfan syndrome type 1; Marfan's syndrome; FBN1-Related Marfan Syndrome; Marfan syndrome, classic. Identifiers: Orphanet 284963, Orphanet 558, MedGen C0024796, MONDO:0007947, OMIM 154700.

Submission:

All of Us Research Program, National Institutes of Health
Classification: Uncertain significance for Marfan syndrome. Last evaluated: 2024-08-13. Review status: criteria provided, single submitter. Criteria: ACMG Guidelines, 2015. Collection method: clinical testing. Allele origin: germline. Inheritance: Autosomal dominant inheritance. Observed: 1 variant allele, 1 heterozygote.
Comment: This missense variant replaces valine with isoleucine at codon 2758 of the FBN1 protein. Computational prediction tool suggests that this variant may not impact protein structure and function (internally defined REVEL score threshold <=0.5, PMID: 27666373). Splice site prediction tools suggest that this variant may not impact RNA splicing. To our knowledge, functional studies have not been performed for this variant. This variant has not been reported in individuals affected with cardiovascular disorders in the literature. This variant has not been identified in the general population by the Genome Aggregation Database (gnomAD). The available evidence is insufficient to determine the role of this variant in disease conclusively. Therefore, this variant is classified as a Variant of Uncertain Significance.

This study involves interpretation of variants in research participants for the purpose of population health screening. Participant phenotype was not available at the time of variant classification. Additional details can be found in publication PMID: 35346344, PMCID: PMC8962531

NM_000138.5(FBN1):c.8272G>A (p.Val2758Ile)

Gene: FBN1 (fibrillin 1; minus strand). Cytogenetic location: 15q21.1.
Variant type: single nucleotide variant.
Coding change: c.8272G>A on transcript NM_000138.5 (MANE Select); coding-DNA position 8272, G replaced by A.
Protein change: p.Val2758Ile; replaces valine 2758 with isoleucine.
Molecular consequence: missense variant.
Genome position (GRCh38, 1-based): chr15:48,411,334, C>T on the plus strand (G>A on the coding strand, the complement: FBN1 is on the minus strand). VCF-style: chr15-48411334-C-T. GRCh37 (hg19) VCF-style: chr15-48703531-C-T.
Other names: c.8272G>A, p.Val2758Ile (NM_001406716.1); short protein forms V2758I.
Identifiers: ClinVar variation 3386746 (VCV003386746.1).